The following is an entry in ClinVar:

NM_000202.8(IDS):c.240+2T>C

Gene: IDS (iduronate 2-sulfatase; minus strand). Cytogenetic location: Xq28.
Variant type: single nucleotide variant.
Coding change: c.240+2T>C on transcript NM_000202.8 (MANE Select); the canonical splice donor site of the intron after coding-DNA position 240, T replaced by C.
Molecular consequence: splice donor variant.
Genome position (GRCh38, 1-based): chrX:149,504,155, A>G on the plus strand (T>C on the coding strand, the complement: IDS is on the minus strand). VCF-style: chrX-149504155-A-G. GRCh37 (hg19) VCF-style: chrX-148585685-A-G.
Other names: c.14+2T>C (NM_001166550.4); c.240+2T>C (NM_006123.5).
Identifiers: ClinVar variation 1993867 (VCV001993867.4), dbSNP rs1602749181, ClinGen allele CA414527100.

ClinVar aggregate classification (germline): Pathogenic (1 of 4 stars; one submission).

Conditions:
Mucopolysaccharidosis, MPS-II (MPS2). Also called: IDS deficiency; Sulfoiduronate sulfatase deficiency; SIDS deficiency; Mucopolysaccharidosis with skin involvement; Mucopolysaccharidosis type 2; Attenuated MPS (subtype; formerly known as mild MPS II). Identifiers: Orphanet 580, Orphanet 79388, MedGen C0026705, MONDO:0010674, OMIM 309900.

Submission:

Labcorp Genetics (formerly Invitae), Labcorp
Classification: Pathogenic for Mucopolysaccharidosis, MPS-II. Last evaluated: 2024-08-13. Review status: criteria provided, single submitter. Criteria: Invitae Variant Classification Sherloc (09022015). Collection method: clinical testing. Allele origin: germline.
Comment: This sequence change affects a donor splice site in intron 2 of the IDS gene. It is expected to disrupt RNA splicing. Variants that disrupt the donor or acceptor splice site typically lead to a loss of protein function (PMID: 16199547), and loss-of-function variants in IDS are known to be pathogenic (PMID: 8940265, 9875019). This variant is not present in population databases (gnomAD no frequency). Disruption of this splice site has been observed in individual(s) with mucopolysaccharidosis type II (PMID: 33676511). ClinVar contains an entry for this variant (Variation ID: 1993867). Algorithms developed to predict the effect of sequence changes on RNA splicing suggest that this variant may disrupt the consensus splice site. For these reasons, this variant has been classified as Pathogenic.

Literature cited by the submitters: PubMed 16199547; PubMed 8940265; PubMed 9875019; PubMed 33676511.